The following is an entry in ClinVar:

ClinVar aggregate classification (germline): Conflicting classifications of pathogenicity. Review status: criteria provided, conflicting classifications (1 of 4 stars). 2 submissions from 2 submitters: Uncertain significance (1); Likely benign (1). Last evaluated 2026-06-09.

Conditions:
Hereditary cancer-predisposing syndrome. Also called: Hereditary neoplastic syndrome; Neoplastic Syndromes, Hereditary; Hereditary Cancer Syndrome; Tumor predisposition. Identifiers: Orphanet 140162, MedGen C0027672, MeSH D009386, MONDO:0015356.
Gastrointestinal stromal tumor. Also called: Gastrointestinal stromal tumor, somatic; Gastrointestinal stroma tumor. Identifiers: Orphanet 44890, MedGen C0238198, MeSH D046152, MONDO:0011719, OMIM 606764, HP:0100723.

Allele frequency attached by ClinVar (database versions not stated): gnomAD exomes below 0.00001; gnomAD 0.00001.
gnomAD v4.1: 2 of 1,612,898 alleles (0.00012%); highest among the groups gnomAD compares: African/African-American, 0.0027%; no homozygotes.

Submissions (2):

Ambry Genetics
Classification: Likely benign for Hereditary cancer-predisposing syndrome. Last evaluated: 2026-06-09. Review status: criteria provided, single submitter. Criteria: Ambry Variant Classification Scheme 2023. Collection method: clinical testing. Allele origin: germline.

Labcorp Genetics (formerly Invitae), Labcorp
Classification: Uncertain significance for Gastrointestinal stromal tumor. Last evaluated: 2025-12-17. Review status: criteria provided, single submitter. Criteria: Invitae Variant Classification Sherloc (09022015). Collection method: clinical testing. Allele origin: germline.
Comment: This sequence change replaces threonine, which is neutral and polar, with alanine, which is neutral and non-polar, at codon 356 of the KIT protein (p.Thr356Ala). This variant is not present in population databases (gnomAD no frequency). This variant has not been reported in the literature in individuals affected with KIT-related conditions. ClinVar contains an entry for this variant (Variation ID: 960070). An algorithm developed to predict the effect of missense changes on protein structure and function outputs the following: PolyPhen-2: "Benign". The alanine amino acid residue is found in multiple mammalian species, which suggests that this missense change does not adversely affect protein function. In summary, the available evidence is currently insufficient to determine the role of this variant in disease. Therefore, it has been classified as a Variant of Uncertain Significance.

NM_000222.3(KIT):c.1066A>G (p.Thr356Ala)

Gene: KIT (KIT proto-oncogene, receptor tyrosine kinase; plus strand). Cytogenetic location: 4q12.
Variant type: single nucleotide variant.
Coding change: c.1066A>G on transcript NM_000222.3 (MANE Select); coding-DNA position 1066, A replaced by G.
Protein change: p.Thr356Ala; replaces threonine 356 with alanine.
Molecular consequence: missense variant.
Genome position (GRCh38, 1-based): chr4:54,707,238, A>G. VCF-style: chr4-54707238-A-G. GRCh37 (hg19) VCF-style: chr4-55573404-A-G.
Other names: c.1066A>G, p.Thr356Ala (NM_001093772.2, NM_001385285.1, NM_001385286.1); c.1069A>G, p.Thr357Ala (NM_001385284.1, NM_001385288.1, NM_001385290.1 and 1 more transcripts); short protein forms T356A, T357A.
Identifiers: ClinVar variation 960070 (VCV000960070.11), dbSNP rs915272994, ClinGen allele CA96855434.